The following is an entry in ClinVar:

ClinVar aggregate classification (germline): Uncertain significance. Review status: criteria provided, multiple submitters, no conflicts (2 of 4 stars). 2 submissions from 2 submitters: Uncertain significance (2). Last evaluated 2024-07-01.

Conditions:
Cardiovascular phenotype. Identifiers: MedGen CN230736.

gnomAD v4.1: 8 of 1,517,054 alleles (0.00053%); highest among the groups gnomAD compares: African/African-American, 0.0028%; no homozygotes.

Submissions (2):

CeGaT Center for Human Genetics Tuebingen
Classification: Uncertain significance. Last evaluated: 2024-07-01. Review status: criteria provided, single submitter. Criteria: CeGaT Center For Human Genetics Tuebingen Variant Classification Criteria Version 2. Collection method: clinical testing. Allele origin: germline. Affected: yes. Observed: 1 variant allele.
Comment: ZNF469: PM2, BP4

Ambry Genetics
Classification: Uncertain significance for Cardiovascular phenotype. Last evaluated: 2024-05-17. Review status: criteria provided, single submitter. Criteria: Ambry Variant Classification Scheme 2023. Collection method: clinical testing. Allele origin: germline.
Comment: The p.G973R variant (also known as c.2917G>C), located in coding exon 1 of the ZNF469 gene, results from a G to C substitution at nucleotide position 2917. The glycine at codon 973 is replaced by arginine, an amino acid with dissimilar properties. This amino acid position is conserved. In addition, this alteration is predicted to be tolerated by in silico analysis. Based on the available evidence, the clinical significance of this variant remains unclear.

NM_001367624.2(ZNF469):c.2917G>C (p.Gly973Arg)

Gene: ZNF469 (zinc finger protein 469; plus strand). Cytogenetic location: 16q24.2.
Variant type: single nucleotide variant.
Coding change: c.2917G>C on transcript NM_001367624.2 (MANE Select); coding-DNA position 2917, G replaced by C.
Protein change: p.Gly973Arg; replaces glycine 973 with arginine.
Molecular consequence: missense variant.
Genome position (GRCh38, 1-based): chr16:88,430,387, G>C. VCF-style: chr16-88430387-G-C. GRCh37 (hg19) VCF-style: chr16-88496795-G-C.
Other names: NM_001127464.1:c.2917G>C; short protein forms G973R.
Identifiers: ClinVar variation 3257304 (VCV003257304.18).